The following is an entry in ClinVar:

NM_014425.5(INVS):c.2021A>G (p.Gln674Arg)

Gene: INVS (inversin; plus strand). Cytogenetic location: 9q31.1.
Variant type: single nucleotide variant.
Coding change: c.2021A>G on transcript NM_014425.5 (MANE Select); coding-DNA position 2021, A replaced by G.
Protein change: p.Gln674Arg; replaces glutamine 674 with arginine.
Molecular consequence: missense variant. On other transcripts: non-coding transcript variant (1).
Genome position (GRCh38, 1-based): chr9:100,284,556, A>G. VCF-style: chr9-100284556-A-G. GRCh37 (hg19) VCF-style: chr9-103046838-A-G.
Other names: c.1733A>G, p.Gln578Arg (NM_001318381.2); c.1043A>G, p.Gln348Arg (NM_001318382.2); c.2021A>G (NM_014425.2); short protein forms Q348R, Q674R, Q578R.
Identifiers: ClinVar variation 855244 (VCV000855244.8), dbSNP rs750909979, ClinGen allele CA5158532.
Genomic context (GRCh38, chr9:100,284,556, plus strand): 5'-AGCCAAGAGACAGCAGAGGATCTCCAGGAGGGTCTCTAGGCGGAGCCCTCCAGAAGGAGC[A>G]GCATGTTTCCTCAGATTTGCAGGGAACAAACTCCAGAAGGCCAAATGGTAGGTGTATTGC-3'
Protein context (NP_055240.2, residues 664-684): GSLGGALQKE[Gln674Arg]HVSSDLQGTN

ClinVar aggregate classification (germline): Uncertain significance. Review status: criteria provided, multiple submitters, no conflicts (2 of 4 stars). 3 submissions from 3 submitters: Uncertain significance (3). Last evaluated 2024-01-29.

Conditions:
Inborn genetic diseases. Identifiers: MedGen C0950123, MeSH D030342.
Nephronophthisis. Also called: Juvenile Nephronophthisis. Identifiers: Orphanet 655, MedGen C0687120, MONDO:0019005, HP:0000090.
Infantile nephronophthisis (NPHP2). Also called: Nephronophthisis 2; Nephronophthisis 2, infantile. Identifiers: Orphanet 655, Orphanet 93591, MedGen C1865872, MONDO:0011190, OMIM 602088.

Allele frequency attached by ClinVar (database versions not stated): gnomAD exomes below 0.00001 and 0.00001; ExAC 0.00002.

Submissions (3):

Ambry Genetics
Classification: Uncertain significance for Inborn genetic diseases. Last evaluated: 2024-01-29. Review status: criteria provided, single submitter. Criteria: Ambry Variant Classification Scheme 2023. Collection method: clinical testing. Allele origin: germline.

Labcorp Genetics (formerly Invitae), Labcorp
Classification: Uncertain significance for Nephronophthisis. Last evaluated: 2022-02-23. Review status: criteria provided, single submitter. Criteria: Invitae Variant Classification Sherloc (09022015). Collection method: clinical testing. Allele origin: germline.
Comment: This sequence change replaces glutamine, which is neutral and polar, with arginine, which is basic and polar, at codon 674 of the INVS protein (p.Gln674Arg). This variant is present in population databases (rs750909979, gnomAD 0.006%). This variant has not been reported in the literature in individuals affected with INVS-related conditions. ClinVar contains an entry for this variant (Variation ID: 855244). Algorithms developed to predict the effect of missense changes on protein structure and function output the following: SIFT: "Tolerated"; PolyPhen-2: "Benign"; Align-GVGD: "Class C0". The arginine amino acid residue is found in multiple mammalian species, which suggests that this missense change does not adversely affect protein function. In summary, the available evidence is currently insufficient to determine the role of this variant in disease. Therefore, it has been classified as a Variant of Uncertain Significance.

Fulgent Genetics
Classification: Uncertain significance for Infantile nephronophthisis. Last evaluated: 2021-09-14. Review status: criteria provided, single submitter. Criteria: ACMG Guidelines, 2015. Collection method: clinical testing. Allele origin: unknown.